The following is an entry in ClinVar:

NM_014249.4(NR2E3):c.305C>A (p.Ala102Asp)

Gene: NR2E3 (nuclear receptor subfamily 2 group E member 3; plus strand). Cytogenetic location: 15q23.
Variant type: single nucleotide variant.
Coding change: c.305C>A on transcript NM_014249.4 (MANE Select); coding-DNA position 305, C replaced by A.
Protein change: p.Ala102Asp; replaces alanine 102 with aspartic acid.
Molecular consequence: missense variant.
Genome position (GRCh38, 1-based): chr15:71,811,825, C>A. VCF-style: chr15-71811825-C-A. GRCh37 (hg19) VCF-style: chr15-72104165-C-A.
Other names: c.305C>A (NM_014249.2); c.305C>A, p.Ala102Asp (NM_016346.4); short protein forms A102D.
Identifiers: ClinVar variation 438227 (VCV000438227.16), dbSNP rs772881093, ClinGen allele CA7640280.
Genomic context (GRCh38, chr15:71,811,825, plus strand): 5'-GGTGCCAGGTGGGGGCAGGGATGTGCCCCGTGGACAAGGCCCACCGCAACCAGTGCCAGG[C>A]CTGCCGGCTGAAGAAGTGCCTGCAGGCGGGGATGAACCAGGACGGTGAGGCGGGGGCTGG-3'
Protein context (NP_055064.1, residues 92-112): VDKAHRNQCQ[Ala102Asp]CRLKKCLQAG

ClinVar aggregate classification (germline): Pathogenic/Likely pathogenic. Review status: criteria provided, multiple submitters, no conflicts (2 of 4 stars). 8 submissions from 8 submitters: Pathogenic (4); Likely pathogenic (3). 1 of the submissions does not count toward it. Last evaluated 2026-06-01.

Conditions:
NR2E3-related disorder. Also called: NR2E3-related condition; NR2E3-related disorders. Identifiers: MedGen CN239387.
Retinitis pigmentosa 37 (RP37). Identifiers: Orphanet 791, MedGen C1970163, MONDO:0012625, OMIM 611131.
Enhanced S-cone syndrome (ESCS). Identifiers: Orphanet 53540, MedGen C1849394, MONDO:0100288, MONDO:0009989.
Abnormality of the eye. Identifiers: MedGen C4316870, HP:0000478.

Allele frequency attached by ClinVar (database versions not stated): ExAC below 0.00001; gnomAD 0.00003; TOPMed 0.00003; gnomAD exomes 0.00004 and 0.00006.
gnomAD v4.1: 86 of 1,551,314 alleles (0.0055%); highest among the groups gnomAD compares: Non-Finnish European, 0.0068%; no homozygotes.

Submissions (8):

PreventionGenetics, part of Exact Sciences
Classification: Pathogenic for NR2E3-related condition. Last evaluated: 2026-06-01. Review status: criteria provided, single submitter. Criteria: ACMG Guidelines, 2015. Collection method: clinical testing. Allele origin: germline.
Comment: The NR2E3 c.305C>A variant is predicted to result in the amino acid substitution p.Ala102Asp. This variant was reported, in the homozygous state or in the heterozygous state along with a second variant in the same gene, in individuals with retinal disease (Hull et al. 2014. PubMed ID: 25079116; Lingao et al. 2016. PubMed ID: 26894784; supplementary data, Stone et al. 2017. PubMed ID: 28559085; supplementary data, Turro et al. 2020. PubMed ID: 32581362; de Carvalho et al. 2020. PubMed ID: 32679203; Sanderson et al. 2021. PubMed ID: 34725069; Collison et al. 2016. PubMed ID: 27033713). This variant is reported in 0.0085% of alleles in individuals of European (Non-Finnish) descent in gnomAD. This variant is interpreted as pathogenic for autosomal recessive disease.

Labcorp Genetics (formerly Invitae), Labcorp
Classification: Likely pathogenic. Last evaluated: 2026-01-05. Review status: criteria provided, single submitter. Criteria: Invitae Variant Classification Sherloc (09022015). Collection method: clinical testing. Allele origin: germline.
Comment: This sequence change replaces alanine, which is neutral and non-polar, with aspartic acid, which is acidic and polar, at codon 102 of the NR2E3 protein (p.Ala102Asp). The frequency data for this variant in the population databases is considered unreliable, as metrics indicate poor data quality at this position in the gnomAD database. This missense change has been observed in individual(s) with enhanced S-cone syndrome and/or inherited retinal dystrophy (PMID: 25079116, 26894784, 27033713, 28559085, 32581362, 32679203). ClinVar contains an entry for this variant (Variation ID: 438227). Invitae Evidence Modeling of protein sequence and biophysical properties (such as structural, functional, and spatial information, amino acid conservation, physicochemical variation, residue mobility, and thermodynamic stability) indicates that this missense variant is expected to disrupt NR2E3 protein function with a positive predictive value of 80%. In summary, the currently available evidence indicates that the variant is pathogenic, but additional data are needed to prove that conclusively. Therefore, this variant has been classified as Likely Pathogenic.

Natera, Inc.
Classification: Pathogenic for Enhanced S cone syndrome. Last evaluated: 2025-02-24. Review status: criteria provided, single submitter. Criteria: Natera Variant Classification Schema (03/2026). Collection method: clinical testing. Allele origin: germline.
Comment: The c.305C>A variant in NR2E3 is a missense variant predicted to cause substitution of alanine to aspartic acid at amino acid 102. This variant is rare in the general population with a frequency below the threshold expected for the associated phenotype(s). This variant has been observed in one or more individuals affected with the associated recessive disease, as either homozygous or compound heterozygous with a second variant (PMID: 25079116, 34725069, 28559085, 37628579). Computational prediction algorithms indicate this variant is likely to affect gene or protein function. Given the available evidence, this variant is classified as Pathogenic.

Victorian Clinical Genetics Services, Murdoch Childrens Research Institute
Classification: Pathogenic for Retinitis pigmentosa 37. Last evaluated: 2025-01-22. Review status: criteria provided, single submitter. Criteria: ACMG Guidelines, 2015. Collection method: clinical testing. Allele origin: germline. Affected: no.
Comment: This variant is classified as Pathogenic. Evidence in support of pathogenic classification: Variant is present in gnomAD (v2) <0.01 for a recessive condition (6 heterozygotes, 0 homozygotes); This variant has strong previous evidence of pathogenicity in unrelated individuals. This variant has been reported as likely pathogenic, and observed in multiple compound heterozygous individuals and a single homozygous individual with inherited retinal disease, enhanced S-cone syndrome, retinal dystrophy or retinitis pigmentosa. One of these individuals is also heterozygous for a variant in the FLVCR1 gene, and in another, zygosity was unclear (ClinVar, PMID: 28041643; PMID: 25079116, PMID: 27033713, PMID: 31884612, PMID: 32679203, PMID: 28559085); Missense variant consistently predicted to be damaging by multiple in silico tools or highly conserved with a major amino acid change. Additional information: Variant is predicted to result in a missense amino acid change from alanine to aspartic acid; This variant is heterozygous; This gene is associated with both recessive and dominant disease (OMIM); An alternative amino acid change at the same position has been observed in gnomAD (v2) (6 heterozygotes, 0 homozygotes); Another missense variant comparable to the one identified in this case has inconclusive previous evidence for pathogenicity. This alternative change (p.(Ala102Ser)) has been reported as a VUS (ClinVar); Variant is located in the annotated NR C4-type zinc finger motif (UniProt); Dominant negative and loss of function are known mechanisms of disease in this gene and are associated with recessive enhanced S-cone syndrome (ESCS; MIM#268100) and both dominant and recessive retinitis pigmentosa 37 (RP37; MIM#611131). Missense variants with a dominant negative mechanism have been rarely reported to cause dominant RP37, whereas loss of function variants cause recessive RP37 or ESCS (ClinVar, PMID: 19006237); Variants in this gene are known to have variable expressivity in individuals with ESCS (PMID: 32679203).

Fulgent Genetics
Classification: Likely pathogenic for ENHANCED S-CONE SYNDROME 1; Retinitis pigmentosa 37. Last evaluated: 2024-05-20. Review status: criteria provided, single submitter. Criteria: ACMG Guidelines, 2015. Collection method: clinical testing. Allele origin: germline.

Baylor Genetics
Classification: Likely pathogenic for ENHANCED S-CONE SYNDROME 1. Last evaluated: 2024-03-25. Review status: criteria provided, single submitter. Criteria: ACMG Guidelines, 2015. Collection method: clinical testing. Allele origin: unknown.

Blueprint Genetics
Classification: Pathogenic for NR2E3-related disorders. Last evaluated: 2023-05-08. Review status: criteria provided, single submitter. Criteria: ACMG Guidelines, 2015. Collection method: clinical testing. Allele origin: germline. Affected: yes. Observed: 5 variant alleles.

NIHR Bioresource Rare Diseases, University of Cambridge
Classification: Likely pathogenic for Disorder of eye. Last evaluated: 2015-01-01. Review status: no assertion criteria provided. Collection method: research. Allele origin: unknown. Affected: yes. Observed: 1 variant allele. Not counted in ClinVar's aggregate classification.
Comment: Undetermined rare ocular disorder with frequency of less than eight patients

Literature cited by the submitters: PubMed 25079116 (cited by 3 submitters); PubMed 26894784 (cited by Labcorp Genetics (formerly Invitae), Labcorp); PubMed 27033713 (cited by Labcorp Genetics (formerly Invitae), Labcorp and Victorian Clinical Genetics Services, Murdoch Childrens Research Institute); PubMed 28559085 (cited by 3 submitters); PubMed 32581362 (cited by Labcorp Genetics (formerly Invitae), Labcorp); PubMed 32679203 (cited by Labcorp Genetics (formerly Invitae), Labcorp and Victorian Clinical Genetics Services, Murdoch Childrens Research Institute); PubMed 34725069 (cited by Natera, Inc.); PubMed 37628579 (cited by Natera, Inc.); PubMed 19006237 (cited by Victorian Clinical Genetics Services, Murdoch Childrens Research Institute); PubMed 31884612 (cited by Victorian Clinical Genetics Services, Murdoch Childrens Research Institute); PubMed 28041643 (cited by Victorian Clinical Genetics Services, Murdoch Childrens Research Institute and NIHR Bioresource Rare Diseases, University of Cambridge).